The following is an entry in ClinVar:

ClinVar aggregate classification (germline): Pathogenic (1 of 4 stars; one submission).

Submission:

Labcorp Genetics (formerly Invitae), Labcorp
Classification: Pathogenic. Last evaluated: 2025-10-12. Review status: criteria provided, single submitter. Criteria: Invitae Variant Classification Sherloc (09022015). Collection method: clinical testing. Allele origin: germline.
Comment: This sequence change creates a premature translational stop signal (p.Pro198Leufs*7) in the TDP2 gene. It is expected to result in an absent or disrupted protein product. Loss-of-function variants in TDP2 are known to be pathogenic (PMID: 24658003). This variant is present in population databases (rs779834703, gnomAD 0.003%). This variant has not been reported in the literature in individuals affected with TDP2-related conditions. For these reasons, this variant has been classified as Pathogenic.

Literature cited by the submitters: PubMed 24658003.

NM_016614.3(TDP2):c.591del (p.Pro198fs)

Gene: TDP2 (tyrosyl-DNA phosphodiesterase 2; minus strand). Cytogenetic location: 6p22.3.
Variant type: Deletion.
Coding change: c.591del on transcript NM_016614.3 (MANE Select); coding-DNA position 591, one base deleted (T; older notation c.591delT).
Protein change: p.Pro198fs; shifts the reading frame from proline 198.
Molecular consequence: frameshift variant.
Genome position (GRCh38, 1-based): chr6:24,654,457, A deleted on the plus strand (T on the coding strand, the reverse complement: TDP2 is on the minus strand); the first of 2 consecutive A bases (chr6:24,654,457-24,654,458); deleting either gives the same sequence. VCF-style (leftmost placement, unchanged base first): chr6-24654456-GA-G. GRCh37 (hg19) VCF-style: chr6-24654684-GA-G.
Other names: short protein forms P198fs.
Identifiers: ClinVar variation 4753868 (VCV004753868.1).